The following is an entry in ClinVar:

NM_000313.4(PROS1):c.269G>C (p.Arg90Pro)

Gene: PROS1 (protein S; minus strand). Cytogenetic location: 3q11.1.
Variant type: single nucleotide variant.
Coding change: c.269G>C on transcript NM_000313.4 (MANE Select); coding-DNA position 269, G replaced by C.
Protein change: p.Arg90Pro; replaces arginine 90 with proline.
Molecular consequence: missense variant.
Genome position (GRCh38, 1-based): chr3:93,910,696, C>G on the plus strand (G>C on the coding strand, the complement: PROS1 is on the minus strand). VCF-style: chr3-93910696-C-G. GRCh37 (hg19) VCF-style: chr3-93629540-C-G.
Other names: c.365G>C, p.Arg122Pro (NM_001314077.2); short protein forms R90P, R122P.
Identifiers: ClinVar variation 937023 (VCV000937023.6), dbSNP rs200886866, ClinGen allele CA353674139.

ClinVar aggregate classification (germline): Uncertain significance (1 of 4 stars; one submission).

Conditions:
Thrombophilia due to protein S deficiency, autosomal recessive (THPH6). Identifiers: Orphanet 743, MedGen C3281092, MONDO:0013791, OMIM 614514. Disease mechanism: loss of function.

gnomAD v4.1: 1 of 1,611,528 alleles (0.000062%); highest among the groups gnomAD compares: Non-Finnish European, 0.000085%; no homozygotes.

Submission:

Labcorp Genetics (formerly Invitae), Labcorp
Classification: Uncertain significance for Thrombophilia due to protein S deficiency, autosomal recessive. Last evaluated: 2019-10-02. Review status: criteria provided, single submitter. Criteria: Invitae Variant Classification Sherloc (09022015). Collection method: clinical testing. Allele origin: germline.
Comment: This sequence change replaces arginine with proline at codon 90 of the PROS1 protein (p.Arg90Pro). The arginine residue is weakly conserved and there is a moderate physicochemical difference between arginine and proline. This variant is not present in population databases (ExAC no frequency). Algorithms developed to predict the effect of missense changes on protein structure and function (SIFT, PolyPhen-2, Align-GVGD) all suggest that this variant is likely to be tolerated, but these predictions have not been confirmed by published functional studies and their clinical significance is uncertain. This variant disrupts the p.Arg90 amino acid residue in PROS1. Other variant(s) that disrupt this residue have been observed in individuals with PROS1-related conditions (PMID: 30669159), which suggests that this may be a clinically significant amino acid residue. In summary, the available evidence is currently insufficient to determine the role of this variant in disease. Therefore, it has been classified as a Variant of Uncertain Significance.

Literature cited by the submitters: PubMed 30669159.